The following is an entry in ClinVar:

NM_024747.6(HPS6):c.254C>G (p.Pro85Arg)

Genes: HPS6 (HPS6 biogenesis of lysosomal organelles complex 2 subunit 3; plus strand), LOC130004578 (ATAC-STARR-seq lymphoblastoid silent region 2738; plus strand). Cytogenetic location: 10q24.32.
Variant type: single nucleotide variant.
Coding change: c.254C>G on transcript NM_024747.6 (MANE Select); coding-DNA position 254, C replaced by G.
Protein change: p.Pro85Arg; replaces proline 85 with arginine.
Molecular consequence: missense variant.
Genome position (GRCh38, 1-based): chr10:102,065,728, C>G. VCF-style: chr10-102065728-C-G. GRCh37 (hg19) VCF-style: chr10-103825485-C-G.
Other names: short protein forms P85R.
Identifiers: ClinVar variation 3774105 (VCV003774105.1).

ClinVar aggregate classification (germline): Uncertain significance (1 of 4 stars; one submission).

gnomAD v4.1: 8 of 1,502,850 alleles (0.00053%); highest among the groups gnomAD compares: African/African-American, 0.0072%; 1 homozygote.

Submission:

GeneDx
Classification: Uncertain significance. Last evaluated: 2024-09-20. Review status: criteria provided, single submitter. Criteria: GeneDx Variant Classification Process June 2021. Collection method: clinical testing. Allele origin: germline. Affected: yes.
Comment: In silico analysis indicates that this missense variant does not alter protein structure/function; Has not been previously published as pathogenic or benign to our knowledge